The following is an entry in ClinVar:

ClinVar aggregate classification (germline): Uncertain significance (1 of 4 stars; one submission).

Conditions:
Duchenne muscular dystrophy (DMD). Also called: MUSCULAR DYSTROPHY, PSEUDOHYPERTROPHIC PROGRESSIVE, DUCHENNE TYPE; Duchenne Muscular Dystrophy (DMD). Identifiers: Orphanet 98896, MedGen C0013264, MONDO:0010679, OMIM 310200.

Allele frequency attached by ClinVar (database versions not stated): gnomAD exomes below 0.00001.
gnomAD v4.1: 1 of 1,207,318 alleles (0.000083%); highest among the groups gnomAD compares: South Asian, 0.0018%; no homozygotes.

Submission:

Labcorp Genetics (formerly Invitae), Labcorp
Classification: Uncertain significance for Duchenne muscular dystrophy. Last evaluated: 2024-09-16. Review status: criteria provided, single submitter. Criteria: Invitae Variant Classification Sherloc (09022015). Collection method: clinical testing. Allele origin: germline.
Comment: This sequence change replaces lysine, which is basic and polar, with arginine, which is basic and polar, at codon 2329 of the DMD protein (p.Lys2329Arg). This variant is not present in population databases (gnomAD no frequency). This variant has not been reported in the literature in individuals affected with DMD-related conditions. ClinVar contains an entry for this variant (Variation ID: 2158969). Invitae Evidence Modeling of protein sequence and biophysical properties (such as structural, functional, and spatial information, amino acid conservation, physicochemical variation, residue mobility, and thermodynamic stability) indicates that this missense variant is not expected to disrupt DMD protein function with a negative predictive value of 95%. In summary, the available evidence is currently insufficient to determine the role of this variant in disease. Therefore, it has been classified as a Variant of Uncertain Significance.

NM_004006.3(DMD):c.6986A>G (p.Lys2329Arg)

Gene: DMD (dystrophin; minus strand). Cytogenetic location: Xp21.1.
Variant type: single nucleotide variant.
Coding change: c.6986A>G on transcript NM_004006.3 (MANE Select); coding-DNA position 6986, A replaced by G.
Protein change: p.Lys2329Arg; replaces lysine 2329 with arginine.
Molecular consequence: missense variant. On other transcripts: 5 prime UTR variant (5).
Genome position (GRCh38, 1-based): chrX:31,875,300, T>C on the plus strand (A>G on the coding strand, the complement: DMD is on the minus strand). VCF-style: chrX-31875300-T-C. GRCh37 (hg19) VCF-style: chrX-31893417-T-C.
Other names: c.6962A>G, p.Lys2321Arg (NM_000109.4); c.6974A>G, p.Lys2325Arg (NM_004009.3); c.6617A>G, p.Lys2206Arg (NM_004010.3); c.2963A>G, p.Lys988Arg (NM_004011.4); c.2954A>G, p.Lys985Arg (NM_004012.4); c.-395A>G (NM_004013.3, NM_004020.4, NM_004021.3 and 2 more transcripts); short protein forms K2321R, K2329R, K2206R, K988R, K985R, K2325R.
Identifiers: ClinVar variation 2158969 (VCV002158969.3), dbSNP rs2532455317, ClinGen allele CA412660110.
Genomic context (GRCh38, chrX:31,875,300, plus strand): 5'-TTCCTAATAGGAGATAACCACAGCAGCAGATGATTTAACTGCTCTTCAAGGTCTTCAAGC[T>C]TTTTTTCAAGCTGCCCAAGGTCTTTTATTTGAGCTTCAATTTCTCCTTGTTTCTCAGGTA-3'
Protein context (NP_003997.2, residues 2319-2339): QIKDLGQLEK[Lys2329Arg]LEDLEEQLNH